The following is an entry in ClinVar:

ClinVar aggregate classification (germline): Uncertain significance (1 of 4 stars; one submission).

Conditions:
Primary ciliary dyskinesia 7. Also called: CILIARY DYSKINESIA, PRIMARY, 7, WITH OR WITHOUT SITUS INVERSUS. Identifiers: Orphanet 244, MedGen C2678473, MONDO:0012748, OMIM 611884.

Submission:

Baylor Genetics
Classification: Uncertain significance for Primary ciliary dyskinesia 7. Last evaluated: 2019-08-17. Review status: criteria provided, single submitter. Criteria: ACMG Guidelines, 2015. Collection method: clinical testing. Allele origin: unknown. Affected: yes.
Comment: This variant was determined to be of uncertain significance according to ACMG Guidelines, 2015 [PMID:25741868].

NM_001277115.2(DNAH11):c.4828T>C (p.Cys1610Arg)

Gene: DNAH11 (dynein axonemal heavy chain 11; plus strand). Cytogenetic location: 7p15.3.
Variant type: single nucleotide variant.
Coding change: c.4828T>C on transcript NM_001277115.2 (MANE Select); coding-DNA position 4828, T replaced by C.
Protein change: p.Cys1610Arg; replaces cysteine 1610 with arginine.
Molecular consequence: missense variant.
Genome position (GRCh38, 1-based): chr7:21,638,949, T>C. VCF-style: chr7-21638949-T-C. GRCh37 (hg19) VCF-style: chr7-21678567-T-C.
Other names: short protein forms C1610R.
Identifiers: ClinVar variation 1030336 (VCV001030336.1), dbSNP rs1786994417, ClinGen allele CA366934315.